The following is an entry in ClinVar:

NM_000436.4(OXCT1):c.671+6G>A

Gene: OXCT1 (3-oxoacid CoA-transferase 1; minus strand). Cytogenetic location: 5p13.1.
Variant type: single nucleotide variant.
Coding change: c.671+6G>A on transcript NM_000436.4 (MANE Select); 6 bases into the intron after coding-DNA position 671, G replaced by A.
Molecular consequence: intron variant.
Genome position (GRCh38, 1-based): chr5:41,842,669, C>T on the plus strand (G>A on the coding strand, the complement: OXCT1 is on the minus strand). VCF-style: chr5-41842669-C-T. GRCh37 (hg19) VCF-style: chr5-41842771-C-T.
Other names: c.671+6G>A (NM_001364301.2, NM_001364302.2); c.692+6G>A (NM_001364299.2, NM_001364300.2); c.113+6G>A (NM_001364303.2).
Identifiers: ClinVar variation 663211 (VCV000663211.8), dbSNP rs760722090, ClinGen allele CA915943290.

ClinVar aggregate classification (germline): Uncertain significance (1 of 4 stars; one submission).

Conditions:
Succinyl-CoA acetoacetate transferase deficiency (SCOTD). Also called: 3-Oxoacid CoA Transferase Deficiency; SCOT DEFICIENCY; SUCCINYL-CoA:3-KETOACID CoA-TRANSFERASE DEFICIENCY; KETOACIDOSIS DUE TO SCOT DEFICIENCY; Succinyl CoA:3-oxoacid CoA transferase deficiency. Identifiers: Orphanet 832, MedGen C0342792, MONDO:0009492, OMIM 245050.

gnomAD v4.1: 2 of 1,597,812 alleles (0.00013%); highest among the groups gnomAD compares: Admixed American, 0.0033%; no homozygotes.

Submission:

Labcorp Genetics (formerly Invitae), Labcorp
Classification: Uncertain significance for Succinyl-CoA acetoacetate transferase deficiency. Last evaluated: 2024-02-17. Review status: criteria provided, single submitter. Criteria: Invitae Variant Classification Sherloc (09022015). Collection method: clinical testing. Allele origin: germline.
Comment: This sequence change falls in intron 6 of the OXCT1 gene. It does not directly change the encoded amino acid sequence of the OXCT1 protein. It affects a nucleotide within the consensus splice site. This variant is not present in population databases (gnomAD no frequency). This variant has not been reported in the literature in individuals affected with OXCT1-related conditions. ClinVar contains an entry for this variant (Variation ID: 663211). Variants that disrupt the consensus splice site are a relatively common cause of aberrant splicing (PMID: 17576681, 9536098). Algorithms developed to predict the effect of sequence changes on RNA splicing suggest that this variant is not likely to affect RNA splicing. In summary, the available evidence is currently insufficient to determine the role of this variant in disease. Therefore, it has been classified as a Variant of Uncertain Significance.

Literature cited by the submitters: PubMed 17576681; PubMed 9536098.